The following is an entry in ClinVar:

NM_001130698.2(TRPC3):c.2183A>G (p.Asn728Ser)

Gene: TRPC3 (transient receptor potential cation channel subfamily C member 3; minus strand). Cytogenetic location: 4q27.
Variant type: single nucleotide variant.
Coding change: c.2183A>G on transcript NM_001130698.2 (MANE Select); coding-DNA position 2183, A replaced by G.
Protein change: p.Asn728Ser; replaces asparagine 728 with serine.
Molecular consequence: missense variant.
Genome position (GRCh38, 1-based): chr4:121,904,392, T>C on the plus strand (A>G on the coding strand, the complement: TRPC3 is on the minus strand). VCF-style: chr4-121904392-T-C. GRCh37 (hg19) VCF-style: chr4-122825547-T-C.
Other names: c.2183A>G, p.Asn728Ser (NM_001366479.2); c.1964A>G, p.Asn655Ser (NM_003305.2); c.2183A>G (NM_001130698.1); short protein forms N655S, N728S.
Identifiers: ClinVar variation 2970993 (VCV002970993.4), dbSNP rs752796351, ClinGen allele CA3064815.

ClinVar aggregate classification (germline): Uncertain significance. Review status: criteria provided, multiple submitters, no conflicts (2 of 4 stars). 2 submissions from 2 submitters: Uncertain significance (2). Last evaluated 2025-03-25.

Allele frequency attached by ClinVar (database versions not stated): ExAC 0.00001; gnomAD exomes 0.00001; TOPMed 0.00002; gnomAD 0.00003.
gnomAD v4.1: 13 of 1,606,074 alleles (0.00081%); highest among the groups gnomAD compares: African/African-American, 0.0027%; no homozygotes.

Submissions (2):

Ambry Genetics
Classification: Uncertain significance. Last evaluated: 2025-03-25. Review status: criteria provided, single submitter. Criteria: Ambry Variant Classification Scheme 2023. Collection method: clinical testing. Allele origin: germline.

Labcorp Genetics (formerly Invitae), Labcorp
Classification: Uncertain significance. Last evaluated: 2023-11-27. Review status: criteria provided, single submitter. Criteria: Invitae Variant Classification Sherloc (09022015). Collection method: clinical testing. Allele origin: germline.
Comment: This sequence change replaces asparagine, which is neutral and polar, with serine, which is neutral and polar, at codon 728 of the TRPC3 protein (p.Asn728Ser). This variant is present in population databases (rs752796351, gnomAD 0.004%). This variant has not been reported in the literature in individuals affected with TRPC3-related conditions. Advanced modeling of protein sequence and biophysical properties (such as structural, functional, and spatial information, amino acid conservation, physicochemical variation, residue mobility, and thermodynamic stability) performed at Invitae indicates that this missense variant is not expected to disrupt TRPC3 protein function with a negative predictive value of 80%. In summary, the available evidence is currently insufficient to determine the role of this variant in disease. Therefore, it has been classified as a Variant of Uncertain Significance.